The following is an entry in ClinVar:

ClinVar aggregate classification (germline): Uncertain significance. Review status: criteria provided, multiple submitters, no conflicts (2 of 4 stars). 2 submissions from 2 submitters: Uncertain significance (2). Last evaluated 2025-03-27.

Allele frequency attached by ClinVar (database versions not stated): gnomAD 0.00001; gnomAD exomes 0.00001 and 0.00002; ExAC 0.00003; TOPMed 0.00005.
gnomAD v4.1: 14 of 1,568,466 alleles (0.00089%); highest among the groups gnomAD compares: Non-Finnish European, 0.001%; no homozygotes.

Submissions (2):

Labcorp Genetics (formerly Invitae), Labcorp
Classification: Uncertain significance. Last evaluated: 2025-03-27. Review status: criteria provided, single submitter. Criteria: Invitae Variant Classification Sherloc (09022015). Collection method: clinical testing. Allele origin: germline.
Comment: This sequence change replaces glutamine, which is neutral and polar, with histidine, which is basic and polar, at codon 924 of the MKL1 protein (p.Gln924His). This variant is present in population databases (rs764664048, gnomAD 0.004%). This variant has not been reported in the literature in individuals affected with MKL1-related conditions. ClinVar contains an entry for this variant (Variation ID: 1682910). An algorithm developed to predict the effect of missense changes on protein structure and function (PolyPhen-2) suggests that this variant is likely to be disruptive. In summary, the available evidence is currently insufficient to determine the role of this variant in disease. Therefore, it has been classified as a Variant of Uncertain Significance.

Ambry Genetics
Classification: Uncertain significance. Last evaluated: 2023-12-13. Review status: criteria provided, single submitter. Criteria: Ambry Variant Classification Scheme 2023. Collection method: clinical testing. Allele origin: germline.

NM_020831.6(MRTFA):c.3072G>C (p.Gln1024His)

Gene: MRTFA (myocardin related transcription factor A; minus strand). Cytogenetic location: 22q13.1.
Variant type: single nucleotide variant.
Coding change: c.3072G>C on transcript NM_020831.6 (MANE Select); coding-DNA position 3072, G replaced by C.
Protein change: p.Gln1024His; replaces glutamine 1024 with histidine.
Molecular consequence: missense variant. On other transcripts: 3 prime UTR variant (1).
Genome position (GRCh38, 1-based): chr22:40,411,414, C>G on the plus strand (G>C on the coding strand, the complement: MRTFA is on the minus strand). VCF-style: chr22-40411414-C-G. GRCh37 (hg19) VCF-style: chr22-40807418-C-G.
Other names: c.2772G>C (NM_020831.3); c.2772G>C, p.Gln924His (NM_001282660.2); c.2922G>C, p.Gln974His (NM_001282661.3); c.*385G>C (NM_001282662.3); c.2877G>C, p.Gln959His (NM_001318139.2); short protein forms Q1024H, Q924H, Q959H, Q974H.
Identifiers: ClinVar variation 1682910 (VCV001682910.7), dbSNP rs764664048, ClinGen allele CA10249161.